The following is an entry in ClinVar:

ClinVar aggregate classification (germline): Uncertain significance (1 of 4 stars; one submission).

Conditions:
Hereditary hyperekplexia. Identifiers: Orphanet 3197, MedGen C4084968, MONDO:0021022.

Allele frequency attached by ClinVar (database versions not stated): gnomAD exomes below 0.00001; ExAC 0.00001.
gnomAD v4.1: 2 of 1,614,050 alleles (0.00012%); highest among the groups gnomAD compares: Non-Finnish European, 0.00017%; no homozygotes.

Submission:

Labcorp Genetics (formerly Invitae), Labcorp
Classification: Uncertain significance for Hereditary hyperekplexia. Last evaluated: 2020-04-09. Review status: criteria provided, single submitter. Criteria: Invitae Variant Classification Sherloc (09022015). Collection method: clinical testing. Allele origin: germline.
Comment: This sequence change replaces serine with leucine at codon 381 of the GLRA1 protein (p.Ser381Leu). The serine residue is moderately conserved and there is a large physicochemical difference between serine and leucine. This variant is present in population databases (rs752407825, ExAC 0.001%). This variant has not been reported in the literature in individuals with GLRA1-related disease. Algorithms developed to predict the effect of missense changes on protein structure and function (SIFT, PolyPhen-2, Align-GVGD) all suggest that this variant is likely to be tolerated, but these predictions have not been confirmed by published functional studies and their clinical significance is uncertain. In summary, the available evidence is currently insufficient to determine the role of this variant in disease. Therefore, it has been classified as a Variant of Uncertain Significance.

NM_000171.4(GLRA1):c.1142C>T (p.Ser381Leu)

Gene: GLRA1 (glycine receptor alpha 1; minus strand). Cytogenetic location: 5q33.1.
Variant type: single nucleotide variant.
Coding change: c.1142C>T on transcript NM_000171.4 (MANE Select); coding-DNA position 1142, C replaced by T.
Protein change: p.Ser381Leu; replaces serine 381 with leucine.
Molecular consequence: missense variant.
Genome position (GRCh38, 1-based): chr5:151,822,881, G>A on the plus strand (C>T on the coding strand, the complement: GLRA1 is on the minus strand). VCF-style: chr5-151822881-G-A. GRCh37 (hg19) VCF-style: chr5-151202442-G-A.
Other names: c.1166C>T, p.Ser389Leu (NM_001146040.2); c.893C>T, p.Ser298Leu (NM_001292000.2); short protein forms S389L, S381L, S298L.
Identifiers: ClinVar variation 580469 (VCV000580469.10), dbSNP rs752407825, ClinGen allele CA3523502.